The following is an entry in ClinVar:

ClinVar aggregate classification (germline): Uncertain significance (1 of 4 stars; one submission).

Conditions:
Gastrointestinal stromal tumor. Also called: Gastrointestinal stroma tumor; Gastrointestinal stromal tumor, somatic. Identifiers: Orphanet 44890, MedGen C0238198, MeSH D046152, MONDO:0011719, OMIM 606764, HP:0100723.

Submission:

Labcorp Genetics (formerly Invitae), Labcorp
Classification: Uncertain significance for Gastrointestinal stromal tumor. Last evaluated: 2022-09-01. Review status: criteria provided, single submitter. Criteria: Invitae Variant Classification Sherloc (09022015). Collection method: clinical testing. Allele origin: germline.
Comment: This sequence change replaces lysine, which is basic and polar, with arginine, which is basic and polar, at codon 304 of the PDGFRA protein (p.Lys304Arg). In summary, the available evidence is currently insufficient to determine the role of this variant in disease. Therefore, it has been classified as a Variant of Uncertain Significance. Algorithms developed to predict the effect of missense changes on protein structure and function output the following: SIFT: "Tolerated"; PolyPhen-2: "Benign"; Align-GVGD: "Class C0". The arginine amino acid residue is found in multiple mammalian species, which suggests that this missense change does not adversely affect protein function. ClinVar contains an entry for this variant (Variation ID: 1464196). This variant has not been reported in the literature in individuals affected with PDGFRA-related conditions. This variant is not present in population databases (gnomAD no frequency).

NM_006206.6(PDGFRA):c.911A>G (p.Lys304Arg)

Gene: PDGFRA (platelet derived growth factor receptor alpha; plus strand). Cytogenetic location: 4q12.
Variant type: single nucleotide variant.
Coding change: c.911A>G on transcript NM_006206.6 (MANE Select); coding-DNA position 911, A replaced by G.
Protein change: p.Lys304Arg; replaces lysine 304 with arginine.
Molecular consequence: missense variant.
Genome position (GRCh38, 1-based): chr4:54,267,440, A>G. VCF-style: chr4-54267440-A-G. GRCh37 (hg19) VCF-style: chr4-55133607-A-G.
Other names: c.911A>G, p.Lys304Arg (NM_001347827.2, NM_001347829.2); c.986A>G, p.Lys329Arg (NM_001347828.2); c.950A>G, p.Lys317Arg (NM_001347830.2); short protein forms K317R, K329R, K304R.
Identifiers: ClinVar variation 1464196 (VCV001464196.6), dbSNP rs1723095511, ClinGen allele CA356891374.
Genomic context (GRCh38, chr4:54,267,440, plus strand): 5'-ACAGTGGAGATTACGAATGTGCTGCCCGCCAGGCTACCAGGGAGGTCAAAGAAATGAAGA[A>G]AGTCACTATTTCTGTCCATGGTACATTCCGCTTTCTAAAATGTCAGTTGTCCATGCTGCT-3'
Protein context (NP_006197.1, residues 294-314): QATREVKEMK[Lys304Arg]VTISVHEKGF